The following is an entry in ClinVar:

NM_001103.4(ACTN2):c.814G>T (p.Val272Phe)

Gene: ACTN2 (actinin alpha 2; plus strand). Cytogenetic location: 1q43.
Variant type: single nucleotide variant.
Coding change: c.814G>T on transcript NM_001103.4 (MANE Select); coding-DNA position 814, G replaced by T.
Protein change: p.Val272Phe; replaces valine 272 with phenylalanine.
Molecular consequence: missense variant.
Genome position (GRCh38, 1-based): chr1:236,737,152, G>T. VCF-style: chr1-236737152-G-T. GRCh37 (hg19) VCF-style: chr1-236900452-G-T.
Other names: c.814G>T, p.Val272Phe (NM_001278343.2); c.190G>T, p.Val64Phe (NM_001278344.2); short protein forms V272F, V64F.
Identifiers: ClinVar variation 1512668 (VCV001512668.8), dbSNP rs2102919141, ClinGen allele CA345378860.

ClinVar aggregate classification (germline): Uncertain significance (1 of 4 stars; one submission).

Conditions:
Dilated cardiomyopathy 1AA (CMD1AA). Also called: Cardiomyopathy, dilated, 1AA, with or without LVNC; CARDIOMYOPATHY, DILATED, 1AA, WITH OR WITHOUT LEFT VENTRICULAR NONCOMPACTION; CARDIOMYOPATHY, FAMILIAL HYPERTROPHIC, 23, WITH OR WITHOUT LEFT VENTRICULAR NONCOMPACTION. Identifiers: Orphanet 154, MedGen C2677338, MONDO:0012808, OMIM 612158.
Primary familial hypertrophic cardiomyopathy (HCM). Identifiers: Orphanet 99739, MedGen C0949658, MeSH D024741, MONDO:0024573. Inheritance: Various modes of inheritance.

Submission:

Labcorp Genetics (formerly Invitae), Labcorp
Classification: Uncertain significance for Primary familial hypertrophic cardiomyopathy; Dilated cardiomyopathy 1AA. Last evaluated: 2021-02-22. Review status: criteria provided, single submitter. Criteria: Invitae Variant Classification Sherloc (09022015). Collection method: clinical testing. Allele origin: germline.
Comment: This variant has not been reported in the literature in individuals with ACTN2-related conditions. Advanced modeling of protein sequence and biophysical properties (such as structural, functional, and spatial information, amino acid conservation, physicochemical variation, residue mobility, and thermodynamic stability) performed at Invitae indicates that this missense variant is not expected to disrupt ACTN2 protein function. In summary, the available evidence is currently insufficient to determine the role of this variant in disease. Therefore, it has been classified as a Variant of Uncertain Significance. This variant is not present in population databases (ExAC no frequency). This sequence change replaces valine with phenylalanine at codon 272 of the ACTN2 protein (p.Val272Phe). The valine residue is highly conserved and there is a small physicochemical difference between valine and phenylalanine.